The following is an entry in ClinVar:

ClinVar aggregate classification (germline): Conflicting classifications of pathogenicity. Review status: criteria provided, conflicting classifications (1 of 4 stars). 4 submissions from 4 submitters: Uncertain significance (2); Likely benign (2). Last evaluated 2026-01-28.

Conditions:
Primary ciliary dyskinesia. Also called: Ciliary dyskinesia. Identifiers: Orphanet 244, MedGen C0008780, MONDO:0016575, HP:0012265.
Primary ciliary dyskinesia 3. Identifiers: Orphanet 244, MedGen C1837618, MONDO:0012085, OMIM 608644.

Allele frequency attached by ClinVar (database versions not stated): gnomAD 0.00029 and 0.00039; gnomAD exomes 0.00033 and 0.00052; TOPMed 0.00040; ExAC 0.00053; 1000 Genomes Project 30x 0.00109; 1000 Genomes Project 0.00140.
gnomAD v4.1: 537 of 1,613,900 alleles (0.033%); highest among the groups gnomAD compares: East Asian, 1.1%; 2 homozygotes.

Submissions (4):

Labcorp Genetics (formerly Invitae), Labcorp
Classification: Likely benign for Primary ciliary dyskinesia. Last evaluated: 2026-01-28. Review status: criteria provided, single submitter. Criteria: Invitae Variant Classification Sherloc (09022015). Collection method: clinical testing. Allele origin: germline.

CeGaT Center for Human Genetics Tuebingen
Classification: Likely benign. Last evaluated: 2025-01-01. Review status: criteria provided, single submitter. Criteria: CeGaT Center For Human Genetics Tuebingen Variant Classification Criteria Version 2. Collection method: clinical testing. Allele origin: germline. Affected: yes. Observed: 1 variant allele.
Comment: DNAH5: BS1

ARUP Laboratories, Molecular Genetics and Genomics, ARUP Laboratories
Classification: Uncertain significance for Primary ciliary dyskinesia 3. Last evaluated: 2023-10-03. Review status: criteria provided, single submitter. Criteria: ARUP Molecular Germline Variant Investigation Process 2024. Collection method: clinical testing. Allele origin: germline.
Comment: The DNAH5 c.975+6C>T variant (rs151000177) is reported in an individual with bronchiectasis who carried an additional variant in DNAH5; both variants were classified as uncertain significance (Guan 2018). The c.975+6C>T variant is also reported in ClinVar (Variation ID: 414355). It is observed in the general population with an overall allele frequency of 0.05% (151/282240 alleles) in the Genome Aggregation Database. Computational analyses are conflicting in whether this variant is predicted to alter splicing (Alamut Visual Plus v.1.5.1, SpliceAI). Due to limited information, the clinical significance of this variant is uncertain at this time. References: Guan WJ et al. Next-generation sequencing for identifying genetic mutations in adults with bronchiectasis. J Thorac Dis. 2018 May;10(5):2618-2630. PMID: 29997923.

Illumina Laboratory Services, Illumina
Classification: Uncertain significance for Primary ciliary dyskinesia 3. Last evaluated: 2018-01-13. Review status: criteria provided, single submitter. Criteria: ICSL Variant Classification Criteria 13 December 2019. Collection method: clinical testing. Allele origin: germline.

NM_001369.3(DNAH5):c.975+6C>T

Gene: DNAH5 (dynein axonemal heavy chain 5; minus strand). Cytogenetic location: 5p15.2.
Variant type: single nucleotide variant.
Coding change: c.975+6C>T on transcript NM_001369.3 (MANE Select); 6 bases into the intron after coding-DNA position 975, C replaced by T.
Molecular consequence: intron variant.
Genome position (GRCh38, 1-based): chr5:13,919,170, G>A on the plus strand (C>T on the coding strand, the complement: DNAH5 is on the minus strand). VCF-style: chr5-13919170-G-A. GRCh37 (hg19) VCF-style: chr5-13919279-G-A.
Identifiers: ClinVar variation 414355 (VCV000414355.30), dbSNP rs151000177, ClinGen allele CA3205019.
Genomic context (GRCh38, chr5:13,919,170, plus strand): 5'-GCCTTGAAAATATGCATAGAGAACTCTTATTCCCATTTCACAAGGCAAAATGAAATGGCT[G>A]ACGACCTTCAGCAGTTTCGACTTGGCCGCCGCAAGCACTGCCAGCACAGCCTTCACATCC-3'